The following is an entry in ClinVar:

NM_002900.3(RBP3):c.1818G>T (p.Trp606Cys)

Gene: RBP3 (retinol binding protein 3; plus strand). Cytogenetic location: 10q11.22.
Variant type: single nucleotide variant.
Coding change: c.1818G>T on transcript NM_002900.3 (MANE Select); coding-DNA position 1818, G replaced by T.
Protein change: p.Trp606Cys; replaces tryptophan 606 with cysteine.
Molecular consequence: missense variant.
Genome position (GRCh38, 1-based): chr10:47,350,302, G>T. VCF-style: chr10-47350302-G-T. GRCh37 (hg19) VCF-style: chr10-48389060-C-A.
Other names: c.1818G>T (NM_002900.2); short protein forms W606C.
Identifiers: ClinVar variation 1931289 (VCV001931289.6), dbSNP rs144324507, ClinGen allele CA5487419.

ClinVar aggregate classification (germline): Uncertain significance. Review status: criteria provided, multiple submitters, no conflicts (2 of 4 stars). 2 submissions from 2 submitters: Uncertain significance (2). Last evaluated 2025-08-28.

Conditions:
Inborn genetic diseases. Identifiers: MedGen C0950123, MeSH D030342.

Allele frequency attached by ClinVar (database versions not stated): TOPMed 0.00001; ExAC 0.00002; ESP Exome Variant Server 0.00008.

Submissions (2):

Ambry Genetics
Classification: Uncertain significance for Inborn genetic diseases. Last evaluated: 2025-08-28. Review status: criteria provided, single submitter. Criteria: Ambry Variant Classification Scheme 2023. Collection method: clinical testing. Allele origin: germline.

Labcorp Genetics (formerly Invitae), Labcorp
Classification: Uncertain significance. Last evaluated: 2022-03-15. Review status: criteria provided, single submitter. Criteria: Invitae Variant Classification Sherloc (09022015). Collection method: clinical testing. Allele origin: germline.
Comment: In summary, the available evidence is currently insufficient to determine the role of this variant in disease. Therefore, it has been classified as a Variant of Uncertain Significance. Algorithms developed to predict the effect of missense changes on protein structure and function are either unavailable or do not agree on the potential impact of this missense change (SIFT: "Deleterious"; PolyPhen-2: "Probably Damaging"; Align-GVGD: "Class C0"). This variant has not been reported in the literature in individuals affected with RBP3-related conditions. This variant is present in population databases (rs144324507, gnomAD 0.004%). This sequence change replaces tryptophan, which is neutral and slightly polar, with cysteine, which is neutral and slightly polar, at codon 606 of the RBP3 protein (p.Trp606Cys).